The following is an entry in ClinVar:

NM_001903.5(CTNNA1):c.82C>T (p.Leu28=)

Gene: CTNNA1 (catenin alpha 1; plus strand). Cytogenetic location: 5q31.2.
Variant type: single nucleotide variant.
Coding change: c.82C>T on transcript NM_001903.5 (MANE Select); coding-DNA position 82, C replaced by T.
Protein change: p.Leu28=; no amino-acid change (leucine 28 retained).
Molecular consequence: synonymous variant. On other transcripts: 5 prime UTR variant (2).
Genome position (GRCh38, 1-based): chr5:138,782,006, C>T. VCF-style: chr5-138782006-C-T. GRCh37 (hg19) VCF-style: chr5-138117695-C-T.
Other names: c.82C>T, p.Leu28= (NM_001290307.3, NM_001323982.2, NM_001323983.1 and 3 more transcripts); c.-32C>T (NM_001290309.3); c.-125C>T (NM_001290310.3); c.82C>T (NM_001903.3).
Identifiers: ClinVar variation 1078265 (VCV001078265.13), dbSNP rs1346100329, ClinGen allele CA446724848.

ClinVar aggregate classification (germline): Conflicting classifications of pathogenicity. Review status: criteria provided, conflicting classifications (1 of 4 stars). 4 submissions from 4 submitters: Uncertain significance (1); Benign (1); Likely benign (2). Last evaluated 2026-01-28.

Conditions:
Hereditary cancer-predisposing syndrome. Also called: Neoplastic Syndromes, Hereditary; Hereditary neoplastic syndrome; Tumor predisposition; Hereditary Cancer Syndrome. Identifiers: Orphanet 140162, MedGen C0027672, MeSH D009386, MONDO:0015356.
Hereditary diffuse gastric adenocarcinoma (HDGC). Also called: DIFFUSE GASTRIC AND LOBULAR BREAST CANCER SYNDROME. Identifiers: Orphanet 26106, MedGen C1708349, MONDO:0007648, OMIM 137215.

Allele frequency attached by ClinVar (database versions not stated): gnomAD exomes 0.00001.
gnomAD v4.1: 18 of 1,608,528 alleles (0.0011%); highest among the groups gnomAD compares: East Asian, 0.031%; no homozygotes.

Submissions (4):

Labcorp Genetics (formerly Invitae), Labcorp
Classification: Likely benign. Last evaluated: 2026-01-28. Review status: criteria provided, single submitter. Criteria: Invitae Variant Classification Sherloc (09022015). Collection method: clinical testing. Allele origin: germline.

Myriad Genetics, Inc.
Classification: Benign for Hereditary diffuse gastric adenocarcinoma. Last evaluated: 2024-10-09. Review status: criteria provided, single submitter. Criteria: Myriad Autosomal Dominant, Autosomal Recessive and X-Linked Classification Criteria (2023). Collection method: clinical testing. Allele origin: unknown.
Comment: This variant is considered benign. This variant is a silent/synonymous amino acid change and it is not expected to impact splicing.

GeneDx
Classification: Uncertain significance. Last evaluated: 2023-11-08. Review status: criteria provided, single submitter. Criteria: GeneDx Variant Classification Process June 2021. Collection method: clinical testing. Allele origin: germline. Affected: yes.
Comment: Not observed at significant frequency in large population cohorts (gnomAD); In silico analysis supports that this variant does not alter splicing; Has not been previously published as pathogenic or benign to our knowledge

Ambry Genetics
Classification: Likely benign for Hereditary cancer-predisposing syndrome. Last evaluated: 2022-04-25. Review status: criteria provided, single submitter. Criteria: Ambry Variant Classification Scheme 2023. Collection method: clinical testing. Allele origin: germline.